The following is an entry in ClinVar:

NM_144687.4(NLRP12):c.3007C>A (p.Leu1003Ile)

Gene: NLRP12 (NLR family pyrin domain containing 12; minus strand). Cytogenetic location: 19q13.42.
Variant type: single nucleotide variant.
Coding change: c.3007C>A on transcript NM_144687.4 (MANE Select); coding-DNA position 3007, C replaced by A.
Protein change: p.Leu1003Ile; replaces leucine 1003 with isoleucine.
Molecular consequence: missense variant.
Genome position (GRCh38, 1-based): chr19:53,795,950, G>T on the plus strand (C>A on the coding strand, the complement: NLRP12 is on the minus strand). VCF-style: chr19-53795950-G-T. GRCh37 (hg19) VCF-style: chr19-54299204-G-T.
Other names: c.3010C>A, p.Leu1004Ile (NM_001277126.2); c.2836C>A, p.Leu946Ile (NM_001277129.1); short protein forms L1004I, L1003I, L946I.
Identifiers: ClinVar variation 4699842 (VCV004699842.1).

ClinVar aggregate classification (germline): Uncertain significance (1 of 4 stars; one submission).

Conditions:
Familial cold autoinflammatory syndrome 2 (FCAS2). Identifiers: Orphanet 247868, MedGen C2673198, MONDO:0012724, OMIM 611762.

gnomAD v4.1: 8 of 1,614,042 alleles (0.0005%); highest among the groups gnomAD compares: African/African-American, 0.004%; no homozygotes.

Submission:

Labcorp Genetics (formerly Invitae), Labcorp
Classification: Uncertain significance for Familial cold autoinflammatory syndrome 2. Last evaluated: 2025-06-08. Review status: criteria provided, single submitter. Criteria: Invitae Variant Classification Sherloc (09022015). Collection method: clinical testing. Allele origin: germline.
Comment: This sequence change replaces leucine, which is neutral and non-polar, with isoleucine, which is neutral and non-polar, at codon 1003 of the NLRP12 protein (p.Leu1003Ile). This variant is present in population databases (rs367741104, gnomAD 0.008%). This variant has not been reported in the literature in individuals affected with NLRP12-related conditions. Experimental studies and prediction algorithms are not available or were not evaluated, and the functional significance of this variant is currently unknown. In summary, the available evidence is currently insufficient to determine the role of this variant in disease. Therefore, it has been classified as a Variant of Uncertain Significance.